The following is an entry in ClinVar:

NM_001114134.2(EPB42):c.1609G>A (p.Ala537Thr)

Gene: EPB42 (erythrocyte membrane protein band 4.2; minus strand). Cytogenetic location: 15q15.2.
Variant type: single nucleotide variant.
Coding change: c.1609G>A on transcript NM_001114134.2 (MANE Select); coding-DNA position 1609, G replaced by A.
Protein change: p.Ala537Thr; replaces alanine 537 with threonine.
Molecular consequence: missense variant.
Genome position (GRCh38, 1-based): chr15:43,206,339, C>T on the plus strand (G>A on the coding strand, the complement: EPB42 is on the minus strand). VCF-style: chr15-43206339-C-T. GRCh37 (hg19) VCF-style: chr15-43498537-C-T.
Other names: c.1699G>A, p.Ala567Thr (NM_000119.3); short protein forms A567T, A537T.
Identifiers: ClinVar variation 132637 (VCV000132637.27), dbSNP rs45495503, ClinGen allele CA345658.

ClinVar aggregate classification (germline): Conflicting classifications of pathogenicity. Review status: criteria provided, conflicting classifications (1 of 4 stars). 6 submissions from 6 submitters: Uncertain significance (3); Likely benign (2). 1 of the submissions does not count toward it. Last evaluated 2026-03-03.

Conditions:
EPB42-related disorder. Also called: EPB42-related condition.
Hereditary spherocytosis type 5. Also called: EPB42-Related Hereditary Spherocytosis; EPB42-Related Spherocytosis. Identifiers: Orphanet 822, MedGen C2675192, MONDO:0012985, OMIM 612690.

Allele frequency attached by ClinVar (database versions not stated): 1000 Genomes Project 0.00040; 1000 Genomes Project 30x 0.00047; TOPMed 0.00102; gnomAD exomes 0.00107 and 0.00128; ExAC 0.00114; ESP Exome Variant Server 0.00123.
gnomAD v4.1: 2,020 of 1,610,698 alleles (0.13%); highest among the groups gnomAD compares: Non-Finnish European, 0.15%; 6 homozygotes.

Submissions (6):

PreventionGenetics, part of Exact Sciences
Classification: Likely benign for EPB42-related condition. Last evaluated: 2026-03-03. Review status: criteria provided, single submitter. Criteria: ACMG Guidelines, 2015. Collection method: clinical testing. Allele origin: germline.
Comment: This variant is classified as likely benign based on ACMG/AMP sequence variant interpretation guidelines (Richards et al. 2015 PMID: 25741868, with internal and published modifications).

Labcorp Genetics (formerly Invitae), Labcorp
Classification: Likely benign. Last evaluated: 2026-01-12. Review status: criteria provided, single submitter. Criteria: Invitae Variant Classification Sherloc (09022015). Collection method: clinical testing. Allele origin: germline.

ARUP Laboratories, Molecular Genetics and Genomics, ARUP Laboratories
Classification: Uncertain significance for Hereditary spherocytosis type 5. Last evaluated: 2025-04-17. Review status: criteria provided, single submitter. Criteria: ARUP Molecular Germline Variant Investigation Process 2024. Collection method: clinical testing. Allele origin: germline.
Comment: The EPB42 c.1699G>A; p.Ala567Thr variant (rs45495503, ClinVar variation ID: 132637), is reported in the literature in one individual affected with hemolytic anemia and alpha thalassemia, this individual also carried a splice donor variant in EPB42 and two copies of the 3.7kb alpha globin deletion (Maciag 2009). This variant is found in the general population with an overall allele frequency of 0.1% (303/279,988 alleles) in the Genome Aggregation Database. Computational analyses predict that this variant is neutral (REVEL: 0.105). Due to limited information, the clinical significance of this EPB42 variant is uncertain at this time. References: Maciag M et al. The use of real-time PCR technique in the detection of novel protein 4.2 gene mutations that coexist with thalassaemia alpha in a single patient. Eur J Haematol. 2009 Oct. PMID: 19508687

Mayo Clinic Laboratories, Mayo Clinic
Classification: Uncertain significance. Last evaluated: 2025-02-19. Review status: criteria provided, single submitter. Criteria: ACMG Guidelines, 2015. Collection method: clinical testing. Allele origin: germline. Observed: 3 variant alleles.
Comment: BP4_moderate

Blueprint Genetics
Classification: Uncertain significance. Last evaluated: 2024-11-14. Review status: criteria provided, single submitter. Criteria: ACMG Guidelines, 2015. Collection method: clinical testing. Allele origin: germline.

ClinVar Staff, National Center for Biotechnology Information (NCBI)
Classification: Uncertain significance for Hereditary spherocytosis type 5. Last evaluated: 2016-11-10. Review status: no assertion criteria provided. Collection method: literature only. Allele origin: germline. Affected: yes. Not counted in ClinVar's aggregate classification.
Comment: This variant was included in GeneReviews NBK190102 until 11/10/2016, after which it was removed when the variant was determined to be non-pathogenic.

Literature cited by the submitters: PubMed 19508687 (cited by ClinVar Staff, National Center for Biotechnology Information (NCBI)).